The following is an entry in ClinVar:

NM_001291415.2(KDM6A):c.2950C>G (p.Pro984Ala)

Gene: KDM6A (lysine demethylase 6A; plus strand). Cytogenetic location: Xp11.3.
Variant type: single nucleotide variant.
Coding change: c.2950C>G on transcript NM_001291415.2 (MANE Select); coding-DNA position 2950, C replaced by G.
Protein change: p.Pro984Ala; replaces proline 984 with alanine.
Molecular consequence: missense variant. On other transcripts: non-coding transcript variant (1).
Genome position (GRCh38, 1-based): chrX:45,076,788, C>G. VCF-style: chrX-45076788-C-G. GRCh37 (hg19) VCF-style: chrX-44936033-C-G.
Other names: c.2815C>G, p.Pro939Ala (NM_001291416.2, NM_001419811.1); c.2659C>G, p.Pro887Ala (NM_001291417.2); c.2557C>G, p.Pro853Ala (NM_001291418.2, NM_001419815.1); c.1906C>G, p.Pro636Ala (NM_001291421.2); c.2692C>G, p.Pro898Ala (NM_001410742.1, NM_001419814.1); c.2950C>G, p.Pro984Ala (NM_001419809.1); c.2848C>G, p.Pro950Ala (NM_001419810.1, NM_001419813.1); c.2794C>G, p.Pro932Ala (NM_001419812.1, NM_021140.4); short protein forms P898A, P932A, P939A, P950A, P853A, P984A, P636A, P887A.
Identifiers: ClinVar variation 5008228 (VCV005008228.1).
Genomic context (GRCh38, chrX:45,076,788, plus strand): 5'-AGCATTTTGTTGGATAAATGTCCACCTCCAAGACCACCATCTTCACCATACCCTCCCTTG[C>G]CAAAGGACAAGTTGAATCCACCTACACCTAGTATTTACGTGAGTCTGAATTGACTGACTA-3'
Protein context (NP_001278344.1, residues 974-994): RPPSSPYPPL[Pro984Ala]KDKLNPPTPS

ClinVar aggregate classification (germline): Uncertain significance (1 of 4 stars; one submission).

Submission:

GeneDx
Classification: Uncertain significance. Last evaluated: 2026-03-03. Review status: criteria provided, single submitter. Criteria: GeneDx Variant Classification Process June 2021. Collection method: clinical testing. Allele origin: germline.
Comment: Not observed at significant frequency in large population cohorts (gnomAD); In silico analysis supports that this missense variant has a deleterious effect on protein structure/function; Has not been previously published as pathogenic or benign to our knowledge